The following is an entry in ClinVar:

NM_001166355.2(LFNG):c.163_166del (p.Asp55fs)

Gene: LFNG (LFNG O-fucosylpeptide 3-beta-N-acetylglucosaminyltransferase; plus strand). Cytogenetic location: 7p22.3.
Variant type: Microsatellite.
Coding change: c.163_166del on transcript NM_001166355.2; coding-DNA positions 163 to 166, 4 bases deleted (GATG; older notation c.163_166delGATG).
Protein change: p.Asp55fs; shifts the reading frame from aspartic acid 55.
Molecular consequence: frameshift variant.
Genome position (GRCh38, 1-based): chr7:2,513,272-2,513,275, GATG deleted; deleting any 4 consecutive bases within chr7:2,513,248-2,513,275 gives the same sequence; the c. name uses the placement nearest the transcript's 3' end. VCF-style (leftmost placement, unchanged base first): chr7-2513247-AGATG-A. GRCh37 (hg19) VCF-style: chr7-2552881-AGATG-A.
Other names: c.163_166delGATG (NM_001166355.1); short protein forms D55fs.
Identifiers: ClinVar variation 403030 (VCV000403030.10), dbSNP rs34637446, ClinGen allele CA4126796.

ClinVar aggregate classification (germline): Benign/Likely benign. Review status: criteria provided, multiple submitters, no conflicts (2 of 4 stars). 5 submissions from 5 submitters: Benign (2); Likely benign (1). 2 of the submissions do not count toward it. Last evaluated 2025-02-16.

Submissions (5):

Laboratory of Genetics, Children's Clinical University Hospital Latvia
Classification: Likely benign. Last evaluated: 2025-02-16. Review status: criteria provided, single submitter. Criteria: ACMG Guidelines, 2015. Collection method: clinical testing. Allele origin: germline. Affected: yes.

GeneDx
Classification: Benign. Last evaluated: 2020-06-07. Review status: criteria provided, single submitter. Criteria: GeneDx Variant Classification Process June 2021. Collection method: clinical testing. Allele origin: germline. Affected: yes.

Laboratory for Molecular Medicine, Mass General Brigham Personalized Medicine
Classification: Benign. Last evaluated: 2016-03-28. Review status: criteria provided, single submitter. Criteria: LMM Criteria. Collection method: clinical testing. Allele origin: germline.
Comment: Variant identified in a genome or exome case(s) and assessed due to predicted null impact of the variant or pathogenic assertions in the literature or databases. Disclaimer: This variant has not undergone full assessment. The following are preliminary notes: Not reported. No information available. Gene not associated to pt disease.

Clinical Genetics DNA and cytogenetics Diagnostics Lab, Erasmus MC, Erasmus Medical Center
Classification: Benign. Review status: no assertion criteria provided. Collection method: clinical testing. Allele origin: germline. Affected: yes. Study: VKGL Data-share Consensus. Not counted in ClinVar's aggregate classification.

Laboratory of Diagnostic Genome Analysis, Leiden University Medical Center (LUMC)
Classification: Likely benign. Review status: no assertion criteria provided. Collection method: clinical testing. Allele origin: germline. Affected: yes. Study: VKGL Data-share Consensus. Not counted in ClinVar's aggregate classification.